The following is an entry in ClinVar:

NM_000273.3(GPR143):c.310G>A (p.Asp104Asn)

Gene: GPR143 (G protein-coupled receptor 143; minus strand). Cytogenetic location: Xp22.2.
Variant type: single nucleotide variant.
Coding change: c.310G>A on transcript NM_000273.3 (MANE Select); coding-DNA position 310, G replaced by A.
Protein change: p.Asp104Asn; replaces aspartic acid 104 with asparagine.
Molecular consequence: missense variant.
Genome position (GRCh38, 1-based): chrX:9,760,767, C>T on the plus strand (G>A on the coding strand, the complement: GPR143 is on the minus strand). VCF-style: chrX-9760767-C-T. GRCh37 (hg19) VCF-style: chrX-9728807-C-T.
Other names: c.310G>A (NM_000273.2); short protein forms D104N.
Identifiers: ClinVar variation 1520275 (VCV001520275.8), dbSNP rs749150001, ClinGen allele CA10345064.

ClinVar aggregate classification (germline): Uncertain significance. Review status: criteria provided, multiple submitters, no conflicts (2 of 4 stars). 3 submissions from 3 submitters: Uncertain significance (3). Last evaluated 2024-11-05.

Conditions:
Inborn genetic diseases. Identifiers: MedGen C0950123, MeSH D030342.

Allele frequency attached by ClinVar (database versions not stated): gnomAD exomes below 0.00001 and 0.00001; gnomAD 0.00003; TOPMed 0.00004.
gnomAD v4.1: 7 of 1,197,772 alleles (0.00058%); highest among the groups gnomAD compares: African/African-American, 0.0053%; no homozygotes.

Submissions (3):

Labcorp Genetics (formerly Invitae), Labcorp
Classification: Uncertain significance. Last evaluated: 2024-11-05. Review status: criteria provided, single submitter. Criteria: Invitae Variant Classification Sherloc (09022015). Collection method: clinical testing. Allele origin: germline.
Comment: This sequence change replaces aspartic acid, which is acidic and polar, with asparagine, which is neutral and polar, at codon 104 of the GPR143 protein (p.Asp104Asn). The frequency data for this variant in the population databases is considered unreliable, as metrics indicate poor data quality at this position in the gnomAD database. This variant has not been reported in the literature in individuals affected with GPR143-related conditions. ClinVar contains an entry for this variant (Variation ID: 1520275). Invitae Evidence Modeling of protein sequence and biophysical properties (such as structural, functional, and spatial information, amino acid conservation, physicochemical variation, residue mobility, and thermodynamic stability) indicates that this missense variant is not expected to disrupt GPR143 protein function with a negative predictive value of 95%. In summary, the available evidence is currently insufficient to determine the role of this variant in disease. Therefore, it has been classified as a Variant of Uncertain Significance.

Ambry Genetics
Classification: Uncertain significance for Inborn genetic diseases. Last evaluated: 2024-07-17. Review status: criteria provided, single submitter. Criteria: Ambry Variant Classification Scheme 2023. Collection method: clinical testing. Allele origin: germline.

Blueprint Genetics
Classification: Uncertain significance. Last evaluated: 2024-06-04. Review status: criteria provided, single submitter. Criteria: ACMG Guidelines, 2015. Collection method: clinical testing. Allele origin: germline.